The following is an entry in ClinVar:

NM_031935.3(HMCN1):c.9572G>A (p.Arg3191His)

Gene: HMCN1 (hemicentin 1; plus strand). Cytogenetic location: 1q31.1.
Variant type: single nucleotide variant.
Coding change: c.9572G>A on transcript NM_031935.3 (MANE Select); coding-DNA position 9572, G replaced by A.
Protein change: p.Arg3191His; replaces arginine 3191 with histidine.
Molecular consequence: missense variant.
Genome position (GRCh38, 1-based): chr1:186,088,271, G>A. VCF-style: chr1-186088271-G-A. GRCh37 (hg19) VCF-style: chr1-186057403-G-A.
Other names: short protein forms R3191H.
Identifiers: ClinVar variation 1924503 (VCV001924503.5), dbSNP rs368825571, ClinGen allele CA1293464.
Genomic context (GRCh38, chr1:186,088,271, plus strand): 5'-TAACATGTGATGCCACTGGGATCCCACCTCCCACGATAGCATGGTTAAAGAACCACAAGC[G>A]CATAGGTAAGGCAACCATGCATTTTTGTGTGTGTGTGTGTTTTTTTCTCTTGCTCTTAAT-3'
Protein context (NP_114141.2, residues 3181-3201): PTIAWLKNHK[Arg3191His]IENSDSLEVR

ClinVar aggregate classification (germline): Uncertain significance (1 of 4 stars; one submission).

Allele frequency attached by ClinVar (database versions not stated): TOPMed 0.00007; ESP Exome Variant Server 0.00015; 1000 Genomes Project 0.00020; 1000 Genomes Project 30x 0.00031.
gnomAD v4.1: 32 of 1,612,510 alleles (0.002%); highest among the groups gnomAD compares: African/African-American, 0.015%; no homozygotes.

Submission:

Labcorp Genetics (formerly Invitae), Labcorp
Classification: Uncertain significance. Last evaluated: 2025-04-24. Review status: criteria provided, single submitter. Criteria: Invitae Variant Classification Sherloc (09022015). Collection method: clinical testing. Allele origin: germline.
Comment: This sequence change replaces arginine, which is basic and polar, with histidine, which is basic and polar, at codon 3191 of the HMCN1 protein (p.Arg3191His). This variant is present in population databases (rs368825571, gnomAD 0.02%). This variant has not been reported in the literature in individuals affected with HMCN1-related conditions. ClinVar contains an entry for this variant (Variation ID: 1924503). An algorithm developed to predict the effect of missense changes on protein structure and function outputs the following: PolyPhen-2: "Benign". The histidine amino acid residue is found in multiple mammalian species, which suggests that this missense change does not adversely affect protein function. In summary, the available evidence is currently insufficient to determine the role of this variant in disease. Therefore, it has been classified as a Variant of Uncertain Significance.